The following is an entry in ClinVar:

NM_000169.3(GLA):c.48T>G (p.Leu16=)

Genes: GLA (galactosidase alpha; minus strand), RPL36A-HNRNPH2 (RPL36A-HNRNPH2 readthrough; plus strand). Cytogenetic location: Xq22.1.
Variant type: single nucleotide variant.
Coding change: c.48T>G on transcript NM_000169.3 (MANE Select); coding-DNA position 48, T replaced by G.
Protein change: p.Leu16=; no amino-acid change (leucine 16 retained).
Molecular consequence: synonymous variant. On other transcripts: non-coding transcript variant (3), intron variant (2).
Genome position (GRCh38, 1-based): chrX:101,407,856, A>C on the plus strand (T>G on the coding strand, the complement: GLA is on the minus strand). VCF-style: chrX-101407856-A-C. GRCh37 (hg19) VCF-style: chrX-100662844-A-C.
Other names: c.48T>G (NM_000169.2); c.48T>G, p.Leu16= (NM_001406747.1, NM_001406748.1, NM_001406749.1); c.301-4080A>C (NM_001199973.2); c.178-4080A>C (NM_001199974.2).
Identifiers: ClinVar variation 42455 (VCV000042455.59), dbSNP rs201449986, ClinGen allele CA021765.

ClinVar aggregate classification (germline): Likely benign. Review status: criteria provided, multiple submitters, no conflicts (2 of 4 stars). 19 submissions from 19 submitters: Likely benign (12). 7 of the submissions do not count toward it. Last evaluated 2026-09-08.

Conditions:
GLA-related disorder. Also called: GLA-related condition.
Cardiovascular phenotype. Identifiers: MedGen CN230736.
Fabry disease. Also called: Fabry's disease; Angiokeratoma corporis diffusum; GLA DEFICIENCY; HEREDITARY DYSTOPIC LIPIDOSIS; Ceramide trihexosidosis; ALPHA-GALACTOSIDASE A DEFICIENCY. Identifiers: Orphanet 324, MedGen C0002986, MONDO:0010526, OMIM 301500, HP:0001071. Disease mechanism: loss of function, Fabry disease is due to inactivating mutations in the X-linked GLA gene resulting in deficiency of the enzyme Alpha Galactosidase-A..
Hypertrophic cardiomyopathy. Also called: HYPERTROPHIC MYOCARDIOPATHY. Identifiers: Orphanet 217569, MedGen C0007194, MeSH D002312, MONDO:0005045, HP:0001639.

Allele frequency attached by ClinVar (database versions not stated): ESP Exome Variant Server 0.00009; gnomAD 0.00011; TOPMed 0.00013; gnomAD exomes 0.00020 and 0.00031; 1000 Genomes Project 0.00026; ExAC 0.00026; 1000 Genomes Project 30x 0.00042.
gnomAD v4.1: 350 of 1,210,031 alleles (0.029%); highest among the groups gnomAD compares: Non-Finnish European, 0.037%; no homozygotes.

Submissions (19):

Genomenon, Inc
Classification: Likely benign for Fabry disease. Last evaluated: 2026-09-08. Review status: criteria provided, single submitter. Criteria: Genomenon Sequence Variant Interpretation Standards - Updated. Collection method: curation. Allele origin: germline. Affected: no.
Comment: GLA c.48T>G is a synonymous variant that retains Leucine at codon 16. This variant has been reported in the published literature (PMID:26866599;27585509;18979223;34118938). It is absent or not present at a significant frequency in gnomAD. This variant is not predicted to impact splicing. In conclusion, we classify GLA p.Leu16= (c.48T>G) as a likely benign variant.

CeGaT Center for Human Genetics Tuebingen
Classification: Likely benign. Last evaluated: 2026-02-01. Review status: criteria provided, single submitter. Criteria: CeGaT Center For Human Genetics Tuebingen Variant Classification Criteria Version 2. Collection method: clinical testing. Allele origin: germline. Affected: yes. Observed: 3 variant alleles.
Comment: GLA: BP4, BP7, BS2

Labcorp Genetics (formerly Invitae), Labcorp
Classification: Likely benign for Fabry disease. Last evaluated: 2026-01-26. Review status: criteria provided, single submitter. Criteria: Invitae Variant Classification Sherloc (09022015). Collection method: clinical testing. Allele origin: germline.

Ambry Genetics
Classification: Likely benign for Cardiovascular phenotype. Last evaluated: 2024-11-24. Review status: criteria provided, single submitter. Criteria: Ambry Variant Classification Scheme 2023. Collection method: clinical testing. Allele origin: germline.

Blueprint Genetics
Classification: Likely benign. Last evaluated: 2024-09-25. Review status: criteria provided, single submitter. Criteria: ACMG Guidelines, 2015. Collection method: clinical testing. Allele origin: germline.

Genome-Nilou Lab
Classification: Likely benign for Fabry disease. Last evaluated: 2021-07-15. Review status: criteria provided, single submitter. Criteria: ACMG Guidelines, 2015. Collection method: clinical testing. Allele origin: germline. Affected: no.

Women's Health and Genetics/Laboratory Corporation of America, LabCorp
Classification: Likely benign. Last evaluated: 2021-01-21. Review status: criteria provided, single submitter. Criteria: LabCorp Variant Classification Summary - May 2015. Collection method: clinical testing. Allele origin: germline.

Broad Center for Mendelian Genomics, Broad Institute of MIT and Harvard
Classification: Likely benign for Fabry disease. Last evaluated: 2020-01-22. Review status: criteria provided, single submitter. Criteria: ACMG Guidelines, 2015. Collection method: curation. Allele origin: germline. Inheritance: X-linked inheritance.
Comment: The c.48T>G variant in GLA has not been previously reported in individuals with Fabry disease, and has been identified in 0.039% (36/92630) of European (non-Finnish) chromosomes, including 5 hemizygotes, 0.019% (1/5335) of other chromosomes, and 0.011% (3/28053) of Latino chromosomes, including 1 hemizygote, by the Genome Aggregation Database (gnomAD; dbSNP rs201449986). This variant has also been reported in ClinVar as likely bengin by the Laboratory for Molecular Medicine (Partners Healthcare), GeneDx, and Invitae and a VUS by Illumina Clinical Services Laboratory (ID:42455). Computational prediction tools, including splice predictors, and conservation analyses suggest that this variant may not impact the protein, though this information is not predictive enough to rule out pathogenicity. In summary, although additional studies are required to fully establish its clinical significance, this variant is likely benign. ACMG/AMP Criteria applied: BS1, BP7 (Richards 2015).

GeneDx
Classification: Likely benign. Last evaluated: 2018-10-23. Review status: criteria provided, single submitter. Criteria: GeneDx Variant Classification Process June 2021. Collection method: clinical testing. Allele origin: germline. Affected: yes.
Comment: This variant is associated with the following publications: (PMID: 26866599)

Color Diagnostics, LLC DBA Color Health
Classification: Likely benign for Fabry disease. Last evaluated: 2018-05-29. Review status: criteria provided, single submitter. Criteria: ACMG Guidelines, 2015. Collection method: clinical testing. Allele origin: germline.

Illumina Laboratory Services, Illumina
Classification: Likely benign for Fabry disease. Last evaluated: 2018-01-13. Review status: criteria provided, single submitter. Criteria: ICSL Variant Classification Criteria 13 December 2019. Collection method: clinical testing. Allele origin: germline.
Comment: This variant was observed in the ICSL laboratory as part of a predisposition screen in an ostensibly healthy population. It had not been previously curated by ICSL or reported in the Human Gene Mutation Database (HGMD: prior to June 1st, 2018), and was therefore a candidate for classification through an automated scoring system. Utilizing variant allele frequency, disease prevalence and penetrance estimates, and inheritance mode, an automated score was calculated to assess if this variant is too frequent to cause the disease. Based on the score and internal cut-off values, a variant classified as likely benign is not then subjected to further curation. The score for this variant resulted in a classification of likely benign for this disease.

Laboratory for Molecular Medicine, Mass General Brigham Personalized Medicine
Classification: Likely benign. Last evaluated: 2013-02-08. Review status: criteria provided, single submitter. Criteria: LMM Criteria. Collection method: clinical testing. Allele origin: germline. Observed: 2 variant alleles.
Comment: Leu16Leu in exon 1 of GLA: This variant is not expected to have clinical signifi cance because it does not alter an amino acid residue and is not located within the splice consensus sequence. It has been identified in 1/6728 European America n chromosomes from a broad population by the NHLBI Exome Sequencing Project. Leu16Leu in exon 1 of GLA (allele frequency = 1/6728) **

Cohesion Phenomics
Classification: Likely benign for Hypertrophic Cardiomyopathy. Last evaluated: 2022-09-29. Review status: no assertion criteria provided. Criteria: ACMG Guidelines, 2015. Collection method: clinical testing. Allele origin: germline. Affected: yes. Not counted in ClinVar's aggregate classification.

PreventionGenetics, part of Exact Sciences
Classification: Likely benign for GLA-related condition. Last evaluated: 2022-06-10. Review status: no assertion criteria provided. Collection method: clinical testing. Allele origin: germline. Not counted in ClinVar's aggregate classification.
Comment: This variant is classified as likely benign based on ACMG/AMP sequence variant interpretation guidelines (Richards et al. 2015 PMID: 25741868, with internal and published modifications).

Natera, Inc.
Classification: Likely benign for Fabry disease. Last evaluated: 2020-09-16. Review status: no assertion criteria provided. Collection method: clinical testing. Allele origin: germline. Not counted in ClinVar's aggregate classification.

Clinical Genetics DNA and cytogenetics Diagnostics Lab, Erasmus MC, Erasmus Medical Center
Classification: Likely benign. Review status: no assertion criteria provided. Collection method: clinical testing. Allele origin: germline. Affected: yes. Study: VKGL Data-share Consensus. Not counted in ClinVar's aggregate classification.

Genome Diagnostics Laboratory, University Medical Center Utrecht
Classification: Likely benign. Review status: no assertion criteria provided. Collection method: clinical testing. Allele origin: germline. Affected: yes. Study: VKGL Data-share Consensus. Not counted in ClinVar's aggregate classification.

Joint Genome Diagnostic Labs from Nijmegen and Maastricht, Radboudumc and MUMC+
Classification: Likely benign. Review status: no assertion criteria provided. Collection method: clinical testing. Allele origin: germline. Affected: yes. Study: VKGL Data-share Consensus. Not counted in ClinVar's aggregate classification.

Revvity Omics, Revvity
Classification: Likely benign. Last evaluated: 2025-07-29. Review status: flagged submission. Criteria: ACMG Guidelines, 2015. Collection method: clinical testing. Allele origin: germline. Not counted in ClinVar's aggregate classification.
ClinVar note: Reason: Outlier claim with insufficient supporting evidence

Literature cited by the submitters: PubMed 26866599 (cited by Genomenon, Inc); PubMed 27585509 (cited by Genomenon, Inc); PubMed 18979223 (cited by Genomenon, Inc); PubMed 34118938 (cited by Genomenon, Inc).